The following is an entry in ClinVar:

ClinVar aggregate classification (germline): Pathogenic/Likely pathogenic. Review status: criteria provided, multiple submitters, no conflicts (2 of 4 stars). 3 submissions from 3 submitters: Pathogenic (2); Likely pathogenic (1). Last evaluated 2025-04-16.

Conditions:
Retinitis pigmentosa 80 (RP80). Identifiers: MedGen C4540439, MONDO:0054708, OMIM 617781.
Saldino-Mainzer syndrome (SRTD9). Also called: short-rib thoracic dysplasia 9 with or without polydactyly; SHORT-RIB THORACIC DYSPLASIA 9 WITHOUT POLYDACTYLY; CONORENAL SYNDROME; Renal dysplasia, retinal pigmentary dystrophy, cerebellar ataxia and skeletal dysplasia. Identifiers: Orphanet 140969, MedGen C1849437, MONDO:0009964, OMIM 266920.

Submissions (3):

Labcorp Genetics (formerly Invitae), Labcorp
Classification: Pathogenic for Saldino-Mainzer syndrome. Last evaluated: 2025-04-16. Review status: criteria provided, single submitter. Criteria: Invitae Variant Classification Sherloc (09022015). Collection method: clinical testing. Allele origin: germline.
Comment: This sequence change creates a premature translational stop signal (p.Glu1065Argfs*3) in the IFT140 gene. It is expected to result in an absent or disrupted protein product. Loss-of-function variants in IFT140 are known to be pathogenic (PMID: 22503633, 23418020, 24009529, 26216056). This variant is not present in population databases (gnomAD no frequency). This variant has not been reported in the literature in individuals affected with IFT140-related conditions. ClinVar contains an entry for this variant (Variation ID: 803144). For these reasons, this variant has been classified as Pathogenic.

Fulgent Genetics
Classification: Likely pathogenic for Saldino-Mainzer syndrome; Retinitis pigmentosa 80. Last evaluated: 2024-06-20. Review status: criteria provided, single submitter. Criteria: ACMG Guidelines, 2015. Collection method: clinical testing. Allele origin: germline.

Mendelics
Classification: Pathogenic for Saldino-Mainzer syndrome. Last evaluated: 2019-05-28. Review status: criteria provided, single submitter. Criteria: Mendelics Assertion Criteria 2017. Collection method: clinical testing. Allele origin: unknown.

Literature cited by the submitters: PubMed 22503633 (cited by Labcorp Genetics (formerly Invitae), Labcorp); PubMed 23418020 (cited by Labcorp Genetics (formerly Invitae), Labcorp); PubMed 24009529 (cited by Labcorp Genetics (formerly Invitae), Labcorp); PubMed 26216056 (cited by Labcorp Genetics (formerly Invitae), Labcorp).

NM_014714.4(IFT140):c.3192del (p.Glu1065fs)

Gene: IFT140 (intraflagellar transport 140; minus strand). Cytogenetic location: 16p13.3.
Variant type: Deletion.
Coding change: c.3192del on transcript NM_014714.4 (MANE Select); coding-DNA position 3192, one base deleted (C; older notation c.3192delC).
Protein change: p.Glu1065fs; shifts the reading frame from glutamic acid 1065.
Molecular consequence: frameshift variant.
Genome position (GRCh38, 1-based): chr16:1,523,906, G deleted on the plus strand (C on the coding strand, the reverse complement: IFT140 is on the minus strand); the first of 5 consecutive G bases (chr16:1,523,906-1,523,910); deleting any one gives the same sequence. VCF-style (leftmost placement, unchanged base first): chr16-1523905-CG-C. GRCh37 (hg19) VCF-style: chr16-1573906-CG-C.
Other names: short protein forms E1065fs.
Identifiers: ClinVar variation 803144 (VCV000803144.7), dbSNP rs1567327347, ClinGen allele CA915946179.